The following is an entry in ClinVar:

NM_139076.3(ABRAXAS1):c.178+1887C>T

Gene: ABRAXAS1 (abraxas 1, BRCA1 A complex subunit; minus strand). Cytogenetic location: 4q21.23.
Variant type: single nucleotide variant.
Coding change: c.178+1887C>T on transcript NM_139076.3 (MANE Select); 1887 bases into the intron after coding-DNA position 178, C replaced by T.
Molecular consequence: intron variant.
Genome position (GRCh38, 1-based): chr4:83,480,267, G>A on the plus strand (C>T on the coding strand, the complement: ABRAXAS1 is on the minus strand). VCF-style: chr4-83480267-G-A. GRCh37 (hg19) VCF-style: chr4-84401420-G-A.
Other names: c.-83+1887C>T (NM_001345962.2).
Identifiers: ClinVar variation 4085815 (VCV004085815.8).
Genomic context (GRCh38, chr4:83,480,267, plus strand): 5'-AAAAATACAAAAAAAATTAGCCGGGCATGGTTGCGTGTGCCTGTAATCCCAGCTACTCCG[G>A]AGGCCGAGGCAGGAGAATCGCTTGACCTCGAGAGGCAGAGGTTGCAGTGAGCCGAGATCA-3'

ClinVar aggregate classification (germline): Likely benign (1 of 4 stars; one submission).

gnomAD v4.1: 7 of 330,966 alleles (0.0021%); highest among the groups gnomAD compares: African/African-American, 0.016%; no homozygotes.

Submission:

CeGaT Center for Human Genetics Tuebingen
Classification: Likely benign. Last evaluated: 2025-08-01. Review status: criteria provided, single submitter. Criteria: CeGaT Center For Human Genetics Tuebingen Variant Classification Criteria Version 2. Collection method: clinical testing. Allele origin: germline. Affected: yes. Observed: 1 variant allele.
Comment: ABRAXAS1: BP4, BP7